The following is an entry in ClinVar:

NM_001376.5(DYNC1H1):c.8285T>C (p.Leu2762Pro)

Gene: DYNC1H1 (dynein cytoplasmic 1 heavy chain 1; plus strand). Cytogenetic location: 14q32.31.
Variant type: single nucleotide variant.
Coding change: c.8285T>C on transcript NM_001376.5 (MANE Select); coding-DNA position 8285, T replaced by C.
Protein change: p.Leu2762Pro; replaces leucine 2762 with proline.
Molecular consequence: missense variant.
Genome position (GRCh38, 1-based): chr14:102,018,558, T>C. VCF-style: chr14-102018558-T-C. GRCh37 (hg19) VCF-style: chr14-102484895-T-C.
Other names: short protein forms L2762P.
Identifiers: ClinVar variation 5008575 (VCV005008575.1).
Genomic context (GRCh38, chr14:102,018,558, plus strand): 5'-CCTCCCTCACACAGATCTACGGCACCTTCAACCGCGCCATGCTGAGGCTCATTCCATCCC[T>C]GCGGACGTATGCAGAGCCGCTCACTGCTGCCATGGTGGAGTTCTACACCATGTCTCAGGT-3'
Protein context (NP_001367.2, residues 2752-2772): NRAMLRLIPS[Leu2762Pro]RTYAEPLTAA

ClinVar aggregate classification (germline): Uncertain significance (1 of 4 stars; one submission).

Submission:

GeneDx
Classification: Uncertain significance. Last evaluated: 2026-03-06. Review status: criteria provided, single submitter. Criteria: GeneDx Variant Classification Process June 2021. Collection method: clinical testing. Allele origin: germline.
Comment: Not observed at significant frequency in large population cohorts (gnomAD); In silico analysis supports that this missense variant has a deleterious effect on protein structure/function; Has not been previously published as pathogenic or benign to our knowledge; This variant is associated with the following publications: (PMID: 25512093, 25609763, 26100331)